The following is an entry in ClinVar:

NM_174936.4(PCSK9):c.68T>A (p.Leu23Gln)

Gene: PCSK9 (proprotein convertase subtilisin/kexin type 9; plus strand). Cytogenetic location: 1p32.3.
Variant type: single nucleotide variant.
Coding change: c.68T>A on transcript NM_174936.4 (MANE Select); coding-DNA position 68, T replaced by A.
Protein change: p.Leu23Gln; replaces leucine 23 with glutamine.
Molecular consequence: missense variant. On other transcripts: 5 prime UTR variant (1), non-coding transcript variant (8).
Genome position (GRCh38, 1-based): chr1:55,039,905, T>A. VCF-style: chr1-55039905-T-A. GRCh37 (hg19) VCF-style: chr1-55505578-T-A.
Other names: c.68T>A, p.Leu23Gln (NM_001407240.1, NM_001407241.1, NM_001407242.1 and 4 more transcripts); c.-667T>A (NM_001407246.1); short protein forms L23Q.
Identifiers: ClinVar variation 3387418 (VCV003387418.1).

ClinVar aggregate classification (germline): Uncertain significance (1 of 4 stars; one submission).

Conditions:
Hypercholesterolemia, autosomal dominant, 3 (FHCL3). Also called: Familial Hypercholesterolemia, Autosomal Dominant, 3; PCSK9-Related Familial Hypercholesterolemia, Autosomal Dominant; Familial hypercholesterolemia 3. Identifiers: MedGen C1863551, MONDO:0011369, OMIM 603776.

Submission:

All of Us Research Program, National Institutes of Health
Classification: Uncertain significance for Hypercholesterolemia, autosomal dominant, 3. Last evaluated: 2024-02-22. Review status: criteria provided, single submitter. Criteria: ACMG Guidelines, 2015. Collection method: clinical testing. Allele origin: germline. Inheritance: Autosomal dominant inheritance. Observed: 1 variant allele, 1 heterozygote.
Comment: This missense variant replaces leucine with glutamine at codon 23 of the PCSK9 protein. Computational prediction suggests that this variant may not impact protein structure and function (internally defined REVEL score threshold <= 0.5, PMID: 27666373). To our knowledge, functional studies have not been reported for this variant. This variant has not been reported in individuals affected with PCSK9-related disorders in the literature. This variant has not been identified in the general population by the Genome Aggregation Database (gnomAD). The available evidence is insufficient to determine the role of this variant in disease conclusively. Therefore, this variant is classified as a Variant of Uncertain Significance.

This study involves interpretation of variants in research participants for the purpose of population health screening. Participant phenotype was not available at the time of variant classification. Additional details can be found in publication PMID: 35346344, PMCID: PMC8962531